The following is an entry in ClinVar:

ClinVar aggregate classification (germline): Uncertain significance (1 of 4 stars; one submission).

Conditions:
Hypertrophic cardiomyopathy. Also called: HYPERTROPHIC MYOCARDIOPATHY. Identifiers: Orphanet 217569, MedGen C0007194, MeSH D002312, MONDO:0005045, HP:0001639.

Allele frequency attached by ClinVar (database versions not stated): gnomAD exomes below 0.00001; TOPMed 0.00001.
gnomAD v4.1: 4 of 1,613,480 alleles (0.00025%); highest among the groups gnomAD compares: South Asian, 0.0033%; no homozygotes.

Submission:

Victorian Clinical Genetics Services, Murdoch Childrens Research Institute
Classification: Uncertain significance for Hypertrophic cardiomyopathy. Last evaluated: 2020-06-11. Review status: criteria provided, single submitter. Criteria: ACMG Guidelines, 2015. Collection method: clinical testing. Allele origin: germline. Inheritance: Autosomal dominant inheritance.
Comment: Based on the classification scheme VCGS_Germline_v1.1.1, this variant is classified as a VUS-3B. Following criteria are met: 0105 - The mechanism of disease for this gene is not clearly established. There is limited evidence regarding variant in this gene. Loss of function is indicated from functional studies in PMID:21256114. (N) 0107 - This gene is known to be associated with autosomal dominant disease. There is limited evidence for disease-causing variants in this gene. Several reports of putative variants causing hypertrophic cardiomyopathy in families with autosomal dominance inheritance. (PMID:21256114. PMID:27600940, PMID:26656175). There is no disease associated with this gene in OMIM. (N) 0112 - Variants in this gene are known to have reduced penetrance. Limited evidence for disease-causing variants in this gene. There is one report of age-related disease penetrance for a missense variant segregating in a family with HCM. (PMID:21256114). (N) 0200 - Variant is predicted to result in a missense amino acid change from aspartic acid to glutamic acid, exon 38. (N) 0302 - Variant is present in gnomAD <0.001 for a dominant condition: 0.000004 (1 het, 0 hom). South Asian population. (P) 0502 - Missense variant with conflicting in-silico predictions and/or uninformative conservation. (N) Very high conservation. Minor amino acid change. 0600 - Variant is located in an annotated domain or motif. Ig-like C2-type/ I-set domain (UniProt, RCSB-PDB, NCBI_Conserved Domains, DECIPHER). (N) 0705 - No comparable variants have previous evidence for pathogenicity. (N) 0807 - Variant has not previously been reported in a clinical context. (N) 0905 - No segregation evidence has been identified for this variant. (N) 1007 - No published functional evidence has been identified for this variant. (N) 1208 - Inheritance information for this variant is not currently available. (N) Legend: (P) - Pathogenic, (N) - Neutral, (B) - Benign

Literature cited by the submitters: PubMed 21256114; PubMed 26656175; PubMed 27600940.

NM_003803.4(MYOM1):c.4920C>G (p.Asp1640Glu)

Gene: MYOM1 (myomesin 1; minus strand). Cytogenetic location: 18p11.31.
Variant type: single nucleotide variant.
Coding change: c.4920C>G on transcript NM_003803.4 (MANE Select); coding-DNA position 4920, C replaced by G.
Protein change: p.Asp1640Glu; replaces aspartic acid 1640 with glutamic acid.
Molecular consequence: missense variant.
Genome position (GRCh38, 1-based): chr18:3,067,400, G>C on the plus strand (C>G on the coding strand, the complement: MYOM1 is on the minus strand). VCF-style: chr18-3067400-G-C. GRCh37 (hg19) VCF-style: chr18-3067398-G-C.
Other names: c.4632C>G, p.Asp1544Glu (NM_019856.2); short protein forms D1544E, D1640E.
Identifiers: ClinVar variation 1805281 (VCV001805281.1), dbSNP rs1382050461, ClinGen allele CA401705080.